The following is an entry in ClinVar:

NM_006514.4(SCN10A):c.1591G>A (p.Glu531Lys)

Gene: SCN10A (sodium voltage-gated channel alpha subunit 10; minus strand). Cytogenetic location: 3p22.2.
Variant type: single nucleotide variant.
Coding change: c.1591G>A on transcript NM_006514.4 (MANE Select); coding-DNA position 1591, G replaced by A.
Protein change: p.Glu531Lys; replaces glutamic acid 531 with lysine.
Molecular consequence: missense variant. On other transcripts: intron variant (1).
Genome position (GRCh38, 1-based): chr3:38,752,383, C>T on the plus strand (G>A on the coding strand, the complement: SCN10A is on the minus strand). VCF-style: chr3-38752383-C-T. GRCh37 (hg19) VCF-style: chr3-38793874-C-T.
Other names: c.1591G>A (NM_006514.2); c.1591G>A, p.Glu531Lys (NM_001293306.2); c.1462-2199G>A (NM_001293307.2); short protein forms E531K.
Identifiers: ClinVar variation 1501894 (VCV001501894.8), dbSNP rs866716316, ClinGen allele CA72986456.
Genomic context (GRCh38, chr3:38,752,383, plus strand): 5'-TAGGGAGGGGGCCTTGCTGGCCAGCACCCCCACCCAGCAGCAGAGAGCCCCGATGGCTTT[C>T]GTGGTCTCCAGGAAAGACTCCATCATCTGTGACTCCCTCAGGGAGTGAGATATCTCGGCC-3'
Protein context (NP_006505.4, residues 521-541): TDDGVFPGDH[Glu531Lys]SHRGSLLLGG

ClinVar aggregate classification (germline): Uncertain significance. Review status: criteria provided, multiple submitters, no conflicts (2 of 4 stars). 2 submissions from 2 submitters: Uncertain significance (2). Last evaluated 2025-08-19.

Conditions:
Brugada syndrome. Also called: Sudden unexpected nocturnal death syndrome; Sudden Unexplained Death Syndrome; Sudden Unexplained Nocturnal Death Syndrome (SUNDS); Sudden unexplained nocturnal death syndrome. Identifiers: Orphanet 130, MedGen C1142166, MONDO:0015263.
Cardiovascular phenotype. Identifiers: MedGen CN230736.

Allele frequency attached by ClinVar (database versions not stated): TOPMed below 0.00001; gnomAD exomes 0.00001.
gnomAD v4.1: 17 of 1,613,962 alleles (0.0011%); highest among the groups gnomAD compares: Middle Eastern, 0.016%; no homozygotes.

Submissions (2):

Ambry Genetics
Classification: Uncertain significance for Cardiovascular phenotype. Last evaluated: 2025-08-19. Review status: criteria provided, single submitter. Criteria: Ambry Variant Classification Scheme 2023. Collection method: clinical testing. Allele origin: germline.
Comment: The p.E531K variant (also known as c.1591G>A), located in coding exon 11 of the SCN10A gene, results from a G to A substitution at nucleotide position 1591. The glutamic acid at codon 531 is replaced by lysine, an amino acid with similar properties. This amino acid position is not well conserved in available vertebrate species. In addition, the in silico prediction for this alteration is inconclusive. The evidence for this gene-disease relationship is limited; therefore, the clinical significance of this alteration is unclear.

Labcorp Genetics (formerly Invitae), Labcorp
Classification: Uncertain significance for Brugada syndrome. Last evaluated: 2022-07-05. Review status: criteria provided, single submitter. Criteria: Invitae Variant Classification Sherloc (09022015). Collection method: clinical testing. Allele origin: germline.
Comment: This sequence change replaces glutamic acid, which is acidic and polar, with lysine, which is basic and polar, at codon 531 of the SCN10A protein (p.Glu531Lys). This variant is present in population databases (no rsID available, gnomAD 0.006%). This variant has not been reported in the literature in individuals affected with SCN10A-related conditions. ClinVar contains an entry for this variant (Variation ID: 1501894). Advanced modeling of protein sequence and biophysical properties (such as structural, functional, and spatial information, amino acid conservation, physicochemical variation, residue mobility, and thermodynamic stability) performed at Invitae indicates that this missense variant is not expected to disrupt SCN10A protein function. In summary, the available evidence is currently insufficient to determine the role of this variant in disease. Therefore, it has been classified as a Variant of Uncertain Significance.